The following is an entry in ClinVar:

NM_005633.4(SOS1):c.3340C>T (p.His1114Tyr)

Gene: SOS1 (SOS Ras/Rac guanine nucleotide exchange factor 1; minus strand). Cytogenetic location: 2p22.1.
Variant type: single nucleotide variant.
Coding change: c.3340C>T on transcript NM_005633.4 (MANE Select); coding-DNA position 3340, C replaced by T.
Protein change: p.His1114Tyr; replaces histidine 1114 with tyrosine.
Molecular consequence: missense variant.
Genome position (GRCh38, 1-based): chr2:38,995,129, G>A on the plus strand (C>T on the coding strand, the complement: SOS1 is on the minus strand). VCF-style: chr2-38995129-G-A. GRCh37 (hg19) VCF-style: chr2-39222270-G-A.
Other names: c.3319C>T, p.His1107Tyr (NM_001382394.1); c.3340C>T, p.His1114Tyr (NM_001382395.1); short protein forms H1114Y, H1107Y.
Identifiers: ClinVar variation 3447305 (VCV003447305.1).

ClinVar aggregate classification (germline): Uncertain significance (1 of 4 stars; one submission).

Conditions:
Cardiovascular phenotype. Identifiers: MedGen CN230736.

Submission:

Ambry Genetics
Classification: Uncertain significance for Cardiovascular phenotype. Last evaluated: 2024-07-17. Review status: criteria provided, single submitter. Criteria: Ambry Variant Classification Scheme 2023. Collection method: clinical testing. Allele origin: germline.
Comment: The p.H1114Y variant (also known as c.3340C>T), located in coding exon 20 of the SOS1 gene, results from a C to T substitution at nucleotide position 3340. The histidine at codon 1114 is replaced by tyrosine, an amino acid with similar properties. This amino acid position is conserved. In addition, the in silico prediction for this alteration is inconclusive. Based on the available evidence, the clinical significance of this variant remains unclear.